The following is an entry in ClinVar:

ClinVar aggregate classification (germline): Pathogenic (1 of 4 stars; one submission).

Conditions:
Pontocerebellar hypoplasia type 1B. Also called: EXOSC3 Pontocerebellar Hypoplasia. Identifiers: Orphanet 2254, MedGen C3553449, MONDO:0013853, OMIM 614678.

Submission:

Labcorp Genetics (formerly Invitae), Labcorp
Classification: Pathogenic for Pontocerebellar hypoplasia type 1B. Last evaluated: 2023-09-03. Review status: criteria provided, single submitter. Criteria: Invitae Variant Classification Sherloc (09022015). Collection method: clinical testing. Allele origin: germline.
Comment: For these reasons, this variant has been classified as Pathogenic. This variant disrupts a region of the EXOSC3 protein in which other variant(s) (p.Trp238Arg) have been determined to be pathogenic (PMID: 22544365, 27777260, 28053271). This suggests that this is a clinically significant region of the protein, and that variants that disrupt it are likely to be disease-causing. This variant has not been reported in the literature in individuals affected with EXOSC3-related conditions. This variant is not present in population databases (gnomAD no frequency). This sequence change creates a premature translational stop signal (p.Leu141Cysfs*62) in the EXOSC3 gene. While this is not anticipated to result in nonsense mediated decay, it is expected to disrupt the last 135 amino acid(s) of the EXOSC3 protein.

Literature cited by the submitters: PubMed 22544365; PubMed 27777260; PubMed 28053271.

NM_016042.4(EXOSC3):c.422del (p.Leu141fs)

Gene: EXOSC3 (exosome component 3; minus strand). Cytogenetic location: 9p13.2.
Variant type: Deletion.
Coding change: c.422del on transcript NM_016042.4 (MANE Select); coding-DNA position 422, one base deleted (T; older notation c.422delT).
Protein change: p.Leu141fs; shifts the reading frame from leucine 141.
Molecular consequence: frameshift variant.
Genome position (GRCh38, 1-based): chr9:37,783,966, A deleted on the plus strand (T on the coding strand, the reverse complement: EXOSC3 is on the minus strand); the first of 3 consecutive A bases (chr9:37,783,966-37,783,968); deleting any one gives the same sequence. VCF-style (leftmost placement, unchanged base first): chr9-37783965-CA-C. GRCh37 (hg19) VCF-style: chr9-37783962-CA-C.
Other names: c.422del, p.Leu141fs (NM_001002269.2); short protein forms L141fs.
Identifiers: ClinVar variation 2757620 (VCV002757620.3), dbSNP rs2489888242, ClinGen allele CA2697557755.